The following is an entry in ClinVar:

ClinVar aggregate classification (germline): Uncertain significance (1 of 4 stars; one submission).

Submission:

Laboratory for Molecular Medicine, Mass General Brigham Personalized Medicine
Classification: Uncertain significance. Last evaluated: 2012-05-17. Review status: criteria provided, single submitter. Criteria: LMM Criteria. Collection method: clinical testing. Allele origin: germline. Observed: 1 variant allele.
Comment: The Gly5251Ser variant in TTN has not been reported in the literature nor previo usly identified by our laboratory. It was also absent from a very large and broa d population sequenced by the NHLBI Exome Sequencing Project. This low frequency is consistent with a disease causing role bu t insufficient to establish this with confidence. Computational analyses (bioche mical amino acid properties, conservation, AlignGVGD, PolyPhen2, and SIFT) do no t provide strong support for or against an impact to the protein. Additional inf ormation is needed to fully assess the clinical significance of the Gly5251Ser v ariant.

NM_001267550.2(TTN):c.19483G>A (p.Gly6495Ser)

Gene: TTN (titin; minus strand). Cytogenetic location: 2q31.2.
Variant type: single nucleotide variant.
Coding change: c.19483G>A on transcript NM_001267550.2 (MANE Select); coding-DNA position 19483, G replaced by A.
Protein change: p.Gly6495Ser; replaces glycine 6495 with serine.
Molecular consequence: missense variant. On other transcripts: intron variant (3).
Genome position (GRCh38, 1-based): chr2:178,728,341, C>T on the plus strand (G>A on the coding strand, the complement: TTN is on the minus strand). VCF-style: chr2-178728341-C-T. GRCh37 (hg19) VCF-style: chr2-179593068-C-T.
Other names: c.15751G>A, p.Gly5251Ser (NM_133378.4); c.18532G>A, p.Gly6178Ser (NM_001256850.1); c.13282+9741G>A (NM_003319.4); c.13858+9741G>A (NM_133437.4); c.13657+9741G>A (NM_133432.3); short protein forms G6495S, G5251S, G6178S.
Identifiers: ClinVar variation 46659 (VCV000046659.5), dbSNP rs397517491, ClinGen allele CA138881.
Genomic context (GRCh38, chr2:178,728,341, plus strand): 5'-ACCACTGAGCACTAATGGGAAGTGAACCAGACACCTTGCACTCCATATGAATAGAAGAGC[C>T]CAGAACTTTATCCATTTTGGTTAATTTTTTGGTGAATGATGGAGGAATATTTTGATCTGT-3'
Protein context (NP_001254479.2, residues 6485-6505): KKLTKMDKVL[Gly6495Ser]SSIHMECKVS